The following is an entry in ClinVar:

NM_003906.5(MCM3AP):c.5195C>T (p.Ala1732Val)

Genes: MCM3AP (minichromosome maintenance complex component 3 associated protein; minus strand), MCM3AP-AS1 (MCM3AP antisense RNA 1; plus strand). Cytogenetic location: 21q22.3.
Variant type: single nucleotide variant.
Coding change: c.5195C>T on transcript NM_003906.5 (MANE Select); coding-DNA position 5195, C replaced by T.
Protein change: p.Ala1732Val; replaces alanine 1732 with valine.
Molecular consequence: missense variant.
Genome position (GRCh38, 1-based): chr21:46,243,566, G>A on the plus strand (C>T on the coding strand, the complement: MCM3AP is on the minus strand). VCF-style: chr21-46243566-G-A. GRCh37 (hg19) VCF-style: chr21-47663480-G-A.
Other names: short protein forms A1732V.
Identifiers: ClinVar variation 5008703 (VCV005008703.1).
Genomic context (GRCh38, chr21:46,243,566, plus strand): 5'-TTGTGGTTGATACACAAGGCGATAAGATCATCCCATGGGATCTCCATGACCGAGGGGCCT[G>A]CCCCATGGACTGGGGAGGGACTCTTGCTCTTCCACCTACAGTAGGTTCTGTGGAGCAGGT-3'
Protein context (NP_003897.2, residues 1722-1742): KSKSPSPVHG[Ala1732Val]GPSVMEIPWD

ClinVar aggregate classification (germline): Uncertain significance (1 of 4 stars; one submission).

gnomAD v4.1: 1 of 1,614,206 alleles (0.000062%); highest among the groups gnomAD compares: Non-Finnish European, 0.000085%; no homozygotes.

Submission:

GeneDx
Classification: Uncertain significance. Last evaluated: 2026-03-11. Review status: criteria provided, single submitter. Criteria: GeneDx Variant Classification Process June 2021. Collection method: clinical testing. Allele origin: germline.
Comment: Not observed at significant frequency in large population cohorts (gnomAD); In silico analysis suggests that this missense variant does not alter protein structure/function; Has not been previously published as pathogenic or benign to our knowledge